The following is an entry in ClinVar:

NM_001931.5(DLAT):c.355A>G (p.Ile119Val)

Gene: DLAT (dihydrolipoamide S-acetyltransferase; plus strand). Cytogenetic location: 11q23.1.
Variant type: single nucleotide variant.
Coding change: c.355A>G on transcript NM_001931.5 (MANE Select); coding-DNA position 355, A replaced by G.
Protein change: p.Ile119Val; replaces isoleucine 119 with valine.
Molecular consequence: missense variant. On other transcripts: 5 prime UTR variant (1), non-coding transcript variant (1), intron variant (1).
Genome position (GRCh38, 1-based): chr11:112,026,273, A>G. VCF-style: chr11-112026273-A-G. GRCh37 (hg19) VCF-style: chr11-111896997-A-G.
Other names: c.355A>G, p.Ile119Val (NM_001372031.1, NM_001372032.1, NM_001372033.1 and 5 more transcripts); c.322A>G, p.Ile108Val (NM_001372034.1); c.187A>G, p.Ile63Val (NM_001372037.1); c.-112A>G (NM_001372042.1); c.239-10A>G (NM_001372036.1); short protein forms I119V, I108V, I63V.
Identifiers: ClinVar variation 534585 (VCV000534585.8), dbSNP rs1555179245, ClinGen allele CA382598011.

ClinVar aggregate classification (germline): Uncertain significance (1 of 4 stars; one submission).

Conditions:
Pyruvate dehydrogenase E2 deficiency (PDHDD). Also called: Dihydrolipoamide Acetyltransferase (E2) Deficiency; LACTIC ACIDEMIA DUE TO DEFECT OF E2 LIPOYL TRANSACETYLASE OF THE PYRUVATE DEHYDROGENASE COMPLEX. Identifiers: Orphanet 765, Orphanet 79244, MedGen C1855565, MONDO:0009502, OMIM 245348.

Submission:

Labcorp Genetics (formerly Invitae), Labcorp
Classification: Uncertain significance for Pyruvate dehydrogenase E2 deficiency. Last evaluated: 2018-01-13. Review status: criteria provided, single submitter. Criteria: Invitae Variant Classification Sherloc (09022015). Collection method: clinical testing. Allele origin: germline.
Comment: This variant has not been reported in the literature in individuals with DLAT-related disease. In summary, the available evidence is currently insufficient to determine the role of this variant in disease. Therefore, it has been classified as a Variant of Uncertain Significance. Algorithms developed to predict the effect of missense changes on protein structure and function do not agree on the potential impact of this missense change (SIFT: "Deleterious"; PolyPhen-2: "Possibly Damaging"; Align-GVGD: "Class C0"). This variant is not present in population databases (ExAC no frequency). This sequence change replaces isoleucine with valine at codon 119 of the DLAT protein (p.Ile119Val). The isoleucine residue is moderately conserved and there is a small physicochemical difference between isoleucine and valine.